The following is an entry in ClinVar:

NM_014813.3(LRIG2):c.-4G>A

Gene: LRIG2 (leucine rich repeats and immunoglobulin like domains 2; plus strand). Cytogenetic location: 1p13.2.
Variant type: single nucleotide variant.
Coding change: c.-4G>A on transcript NM_014813.3 (MANE Select); 4 bases upstream of the start codon, G replaced by A.
Molecular consequence: 5 prime UTR variant.
Genome position (GRCh38, 1-based): chr1:113,073,403, G>A. VCF-style: chr1-113073403-G-A. GRCh37 (hg19) VCF-style: chr1-113616025-G-A.
Other names: c.-425G>A (NM_001312686.2).
Identifiers: ClinVar variation 3350535 (VCV003350535.2).

ClinVar aggregate classification (germline): Likely benign. Review status: criteria provided, single submitter (1 of 4 stars). 2 submissions from 2 submitters: Likely benign (1). 1 of the submissions does not count toward it. Last evaluated 2025-07-25.

Conditions:
LRIG2-related disorder. Also called: LRIG2-related condition.

gnomAD v4.1: 1,601 of 1,612,784 alleles (0.099%); highest among the groups gnomAD compares: African/African-American, 1.8%; 12 homozygotes.

Submissions (2):

Mayo Clinic Laboratories, Mayo Clinic
Classification: Likely benign. Last evaluated: 2025-07-25. Review status: criteria provided, single submitter. Criteria: ACMG Guidelines, 2015. Collection method: clinical testing. Allele origin: germline. Observed: 1 variant allele.
Comment: BS1, BP4, BP7

PreventionGenetics, part of Exact Sciences
Classification: Benign for LRIG2-related condition. Last evaluated: 2024-07-01. Review status: no assertion criteria provided. Collection method: clinical testing. Allele origin: germline. Not counted in ClinVar's aggregate classification.
Comment: This variant is classified as benign based on ACMG/AMP sequence variant interpretation guidelines (Richards et al. 2015 PMID: 25741868, with internal and published modifications).